The following is an entry in ClinVar:

ClinVar aggregate classification (germline): Uncertain significance (1 of 4 stars; one submission).

Conditions:
Koolen-de Vries syndrome (KDVS). Identifiers: Orphanet 96169, MedGen C1864871, MONDO:0012496, OMIM 610443.

Allele frequency attached by ClinVar (database versions not stated): gnomAD exomes below 0.00001; TOPMed below 0.00001.
gnomAD v4.1: 2 of 1,612,566 alleles (0.00012%); highest among the groups gnomAD compares: Admixed American, 0.0017%; no homozygotes.

Submission:

Labcorp Genetics (formerly Invitae), Labcorp
Classification: Uncertain significance for Koolen-de Vries syndrome. Last evaluated: 2022-07-18. Review status: criteria provided, single submitter. Criteria: Invitae Variant Classification Sherloc (09022015). Collection method: clinical testing. Allele origin: germline.
Comment: In summary, the available evidence is currently insufficient to determine the role of this variant in disease. Therefore, it has been classified as a Variant of Uncertain Significance. Algorithms developed to predict the effect of sequence changes on RNA splicing suggest that this variant may create or strengthen a splice site. Algorithms developed to predict the effect of missense changes on protein structure and function output the following: SIFT: "Tolerated"; PolyPhen-2: "Benign"; Align-GVGD: "Class C0". The alanine amino acid residue is found in multiple mammalian species, which suggests that this missense change does not adversely affect protein function. ClinVar contains an entry for this variant (Variation ID: 1444108). This variant has not been reported in the literature in individuals affected with KANSL1-related conditions. This variant is present in population databases (rs80026189, gnomAD 0.007%). This sequence change replaces threonine, which is neutral and polar, with alanine, which is neutral and non-polar, at codon 733 of the KANSL1 protein (p.Thr733Ala).

NM_015443.4(KANSL1):c.2197A>G (p.Thr733Ala)

Gene: KANSL1 (KAT8 regulatory NSL complex subunit 1). Cytogenetic location: 17q21.31.
Variant type: single nucleotide variant.
Coding change: c.2197A>G on transcript NM_015443.4 (MANE Select); coding-DNA position 2197, A replaced by G.
Protein change: p.Thr733Ala; replaces threonine 733 with alanine.
Molecular consequence: missense variant.
Genome position (GRCh38, 1-based): chr17:46,039,708, T>C on the plus strand (A>G on the coding strand, the complement: KANSL1 is on the minus strand). VCF-style: chr17-46039708-T-C. GRCh37 (hg19) VCF-style: chr17-44117074-T-C.
Other names: c.2197A>G, p.Thr733Ala (NM_001193465.2, NM_001193466.2, NM_001379198.1); short protein forms T733A.
Identifiers: ClinVar variation 1444108 (VCV001444108.6), dbSNP rs80026189, ClinGen allele CA8618643.